The following is an entry in ClinVar:

NM_001184.4(ATR):c.1894G>A (p.Ala632Thr)

Gene: ATR (ATR checkpoint kinase; minus strand). Cytogenetic location: 3q23.
Variant type: single nucleotide variant.
Coding change: c.1894G>A on transcript NM_001184.4 (MANE Select); coding-DNA position 1894, G replaced by A.
Protein change: p.Ala632Thr; replaces alanine 632 with threonine.
Molecular consequence: missense variant.
Genome position (GRCh38, 1-based): chr3:142,556,567, C>T on the plus strand (G>A on the coding strand, the complement: ATR is on the minus strand). VCF-style: chr3-142556567-C-T. GRCh37 (hg19) VCF-style: chr3-142275409-C-T.
Other names: c.1702G>A, p.Ala568Thr (NM_001354579.2); short protein forms A568T, A632T.
Identifiers: ClinVar variation 3221067 (VCV003221067.1), dbSNP rs1313533098, ClinGen allele CA354819773.
Genomic context (GRCh38, chr3:142,556,567, plus strand): 5'-TCCACTCAAGGAATATTCTTCTTGGAAACAGAGTCAGAAGAAACACACATCGTGATTGTG[C>T]CTGTGGTGCTGAAAAAATTAAGTCTATTAAACAAGATTTCTACTAATGTTAATTTTATGT-3'
Protein context (NP_001175.2, residues 622-642): CRISDSYSPQ[Ala632Thr]QSRCVFLLTL

ClinVar aggregate classification (germline): Uncertain significance (1 of 4 stars; one submission).

Conditions:
Inborn genetic diseases. Identifiers: MedGen C0950123, MeSH D030342.

Allele frequency attached by ClinVar (database versions not stated): TOPMed below 0.00001.
gnomAD v4.1: 1 of 1,613,864 alleles (0.000062%); highest among the groups gnomAD compares: Non-Finnish European, 0.000085%; no homozygotes.

Submission:

Ambry Genetics
Classification: Uncertain significance for Inborn genetic diseases. Last evaluated: 2023-12-31. Review status: criteria provided, single submitter. Criteria: Ambry Variant Classification Scheme 2023. Collection method: clinical testing. Allele origin: germline.
Comment: The p.A632T variant (also known as c.1894G>A), located in coding exon 9 of the ATR gene, results from a G to A substitution at nucleotide position 1894. The alanine at codon 632 is replaced by threonine, an amino acid with similar properties. This amino acid position is conserved. In addition, this alteration is predicted to be tolerated by in silico analysis. Since supporting evidence is limited at this time, the clinical significance of this alteration remains unclear.